The following is an entry in ClinVar:

NM_002156.5(HSPD1):c.398A>G (p.Lys133Arg)

Gene: HSPD1 (heat shock protein family D (Hsp60) member 1; minus strand). Cytogenetic location: 2q33.1.
Variant type: single nucleotide variant.
Coding change: c.398A>G on transcript NM_002156.5 (MANE Select); coding-DNA position 398, A replaced by G.
Protein change: p.Lys133Arg; replaces lysine 133 with arginine.
Molecular consequence: missense variant.
Genome position (GRCh38, 1-based): chr2:197,497,169, T>C on the plus strand (A>G on the coding strand, the complement: HSPD1 is on the minus strand). VCF-style: chr2-197497169-T-C. GRCh37 (hg19) VCF-style: chr2-198361893-T-C.
Other names: c.398A>G, p.Lys133Arg (NM_199440.2); short protein forms K133R.
Identifiers: ClinVar variation 1970438 (VCV001970438.5), dbSNP rs2470122687, ClinGen allele CA350203524.

ClinVar aggregate classification (germline): Uncertain significance (1 of 4 stars; one submission).

Conditions:
Spastic paraplegia. Identifiers: MedGen C0037772, HP:0001258.

Submission:

Labcorp Genetics (formerly Invitae), Labcorp
Classification: Uncertain significance for Spastic paraplegia. Last evaluated: 2022-07-25. Review status: criteria provided, single submitter. Criteria: Invitae Variant Classification Sherloc (09022015). Collection method: clinical testing. Allele origin: germline.
Comment: In summary, the available evidence is currently insufficient to determine the role of this variant in disease. Therefore, it has been classified as a Variant of Uncertain Significance. Algorithms developed to predict the effect of sequence changes on RNA splicing suggest that this variant may disrupt the consensus splice site. Algorithms developed to predict the effect of missense changes on protein structure and function (SIFT, PolyPhen-2, Align-GVGD) all suggest that this variant is likely to be tolerated. This variant has not been reported in the literature in individuals affected with HSPD1-related conditions. This variant is not present in population databases (gnomAD no frequency). This sequence change replaces lysine, which is basic and polar, with arginine, which is basic and polar, at codon 133 of the HSPD1 protein (p.Lys133Arg).